The following is an entry in ClinVar:

NM_017617.5(NOTCH1):c.2641G>C (p.Gly881Arg)

Gene: NOTCH1 (notch receptor 1; minus strand). Cytogenetic location: 9q34.3.
Variant type: single nucleotide variant.
Coding change: c.2641G>C on transcript NM_017617.5 (MANE Select); coding-DNA position 2641, G replaced by C.
Protein change: p.Gly881Arg; replaces glycine 881 with arginine.
Molecular consequence: missense variant.
Genome position (GRCh38, 1-based): chr9:136,510,752, C>G on the plus strand (G>C on the coding strand, the complement: NOTCH1 is on the minus strand). VCF-style: chr9-136510752-C-G. GRCh37 (hg19) VCF-style: chr9-139405204-C-G.
Other names: short protein forms G881R.
Identifiers: ClinVar variation 4801894 (VCV004801894.1).

ClinVar aggregate classification (germline): Uncertain significance (1 of 4 stars; one submission).

Conditions:
Adams-Oliver syndrome 5 (AOS5). Identifiers: Orphanet 974, MedGen C4014970, MONDO:0014459, OMIM 616028.

Submission:

Labcorp Genetics (formerly Invitae), Labcorp
Classification: Uncertain significance for Adams-Oliver syndrome 5. Last evaluated: 2025-08-31. Review status: criteria provided, single submitter. Criteria: Invitae Variant Classification Sherloc (09022015). Collection method: clinical testing. Allele origin: germline.
Comment: This sequence change replaces glycine, which is neutral and non-polar, with arginine, which is basic and polar, at codon 881 of the NOTCH1 protein (p.Gly881Arg). This variant is not present in population databases (gnomAD no frequency). This variant has not been reported in the literature in individuals affected with NOTCH1-related conditions. Invitae Evidence Modeling of protein sequence and biophysical properties (such as structural, functional, and spatial information, amino acid conservation, physicochemical variation, residue mobility, and thermodynamic stability) indicates that this missense variant is not expected to disrupt NOTCH1 protein function with a negative predictive value of 95%. In summary, the available evidence is currently insufficient to determine the role of this variant in disease. Therefore, it has been classified as a Variant of Uncertain Significance.